The following is an entry in ClinVar:

NM_000455.5(STK11):c.1284G>C (p.Ser428=)

Gene: STK11 (serine/threonine kinase 11; plus strand). Cytogenetic location: 19p13.3.
Variant type: single nucleotide variant.
Coding change: c.1284G>C on transcript NM_000455.5 (MANE Select); coding-DNA position 1284, G replaced by C.
Protein change: p.Ser428=; no amino-acid change (serine 428 retained).
Molecular consequence: synonymous variant.
Genome position (GRCh38, 1-based): chr19:1,226,629, G>C. VCF-style: chr19-1226629-G-C. GRCh37 (hg19) VCF-style: chr19-1226628-G-C.
Identifiers: ClinVar variation 184606 (VCV000184606.23), dbSNP rs369097329, ClinGen allele CA022609.

ClinVar aggregate classification (germline): Benign/Likely benign. Review status: criteria provided, multiple submitters, no conflicts (2 of 4 stars). 8 submissions from 7 submitters: Benign (1); Likely benign (5). 2 of the submissions do not count toward it. Last evaluated 2026-01-20.

Conditions:
Hereditary cancer-predisposing syndrome. Also called: Tumor predisposition; Hereditary Cancer Syndrome; Hereditary neoplastic syndrome; Neoplastic Syndromes, Hereditary. Identifiers: Orphanet 140162, MedGen C0027672, MeSH D009386, MONDO:0015356.
Peutz-Jeghers syndrome (PJS). Also called: POLYPOSIS, HAMARTOMATOUS INTESTINAL; POLYPS-AND-SPOTS SYNDROME; Peutz-Jeghers polyposis; Periorificial lentiginosis syndrome. Identifiers: Orphanet 2869, MedGen C0031269, MeSH D010580, MONDO:0008280, OMIM 175200.
Malignant tumor of breast. Also called: Cancer breast; Malignant breast neoplasm. Identifiers: MedGen C0006142, MONDO:0007254. Disease mechanism: loss of function.
Malignant neoplasm of brain. Also called: Malignant brain neoplasm; Brain cancer. Identifiers: MedGen C0153633, MONDO:0001657.

gnomAD v4.1: 15 of 1,542,340 alleles (0.00097%); highest among the groups gnomAD compares: East Asian, 0.017%; no homozygotes.

Submissions (8):

Labcorp Genetics (formerly Invitae), Labcorp
Classification: Likely benign for Peutz-Jeghers syndrome. Last evaluated: 2026-01-20. Review status: criteria provided, single submitter. Criteria: Invitae Variant Classification Sherloc (09022015). Collection method: clinical testing. Allele origin: germline.

Women's Health and Genetics/Laboratory Corporation of America, LabCorp
Classification: Likely benign. Last evaluated: 2025-12-25. Review status: criteria provided, single submitter. Criteria: LabCorp Variant Classification Summary - May 2015. Collection method: clinical testing. Allele origin: germline.

Myriad Genetics, Inc.
Classification: Benign for Peutz-Jeghers syndrome. Last evaluated: 2025-03-31. Review status: criteria provided, single submitter. Criteria: Myriad Autosomal Dominant, Autosomal Recessive and X-Linked Classification Criteria (2023). Collection method: clinical testing. Allele origin: unknown.
Comment: This variant is considered benign. This variant is a silent/synonymous amino acid change and it is not expected to impact splicing.

All of Us Research Program, National Institutes of Health
Classification: Likely benign for Peutz-Jeghers syndrome. Last evaluated: 2023-10-06. Review status: criteria provided, single submitter. Criteria: ACMG Guidelines, 2015. Collection method: clinical testing. Allele origin: germline. Inheritance: Autosomal dominant inheritance. Observed: 3 variant alleles, 3 heterozygotes.
Comment: This study involves interpretation of variants in research participants for the purpose of population health screening. Participant phenotype was not available at the time of variant classification. Additional details can be found in publication PMID: 35346344, PMCID: PMC8962531

Color Diagnostics, LLC DBA Color Health
Classification: Likely benign for Hereditary cancer-predisposing syndrome. Last evaluated: 2016-09-02. Review status: criteria provided, single submitter. Criteria: ACMG Guidelines, 2015. Collection method: clinical testing. Allele origin: germline.

Ambry Genetics
Classification: Likely benign for Hereditary cancer-predisposing syndrome. Last evaluated: 2016-04-28. Review status: criteria provided, single submitter. Criteria: Ambry Variant Classification Scheme 2023. Collection method: clinical testing. Allele origin: germline.

Department of Pathology and Laboratory Medicine, Sinai Health System
Classification: Likely benign for Malignant neoplasm of brain. Review status: no assertion criteria provided. Collection method: clinical testing. Allele origin: unknown. Affected: yes. Study: The Canadian Open Genetics Repository (COGR). Not counted in ClinVar's aggregate classification.
Comment: The STK11 p.Ser428= variant was not identified in the literature. The variant was identified in dbSNP (ID: rs369097329) as â€šÃ„ÃºWith Likely benign alleleâ€šÃ„Ã¹, ClinVar (3x as likely benign by Ambry Genetics, Invitae, Color) and LOVD 3.0 (1x as benign). The variant was identified in control databases in 5 of 135876 chromosomes at a frequency of 0.000037 (Genome Aggregation Database Feb 27, 2017). The variant was observed in the following populations: East Asian in 5 of 9960 chromosomes (freq: 0.0005), but not in the African, Other, Latino, European Non-Finnish, Ashkenazi Jewish, European Finnish or South Asian populations. The p.Ser428= variant is not expected to have clinical significance because it does not result in a change of amino acid and is not located in a known consensus splice site. In addition, in silico or computational prediction software programs (SpliceSiteFinder, MaxEntScan, NNSPLICE, GeneSplicer) do not predict a difference in splicing. In summary, based on the above information the clinical significance of this variant cannot be determined with certainty at this time although we would lean towards a more benign role for this variant. This variant is classified as likely benign.

Department of Pathology and Laboratory Medicine, Sinai Health System
Classification: Likely benign for Malignant tumor of breast. Review status: no assertion criteria provided. Collection method: clinical testing. Allele origin: unknown. Affected: yes. Study: The Canadian Open Genetics Repository (COGR). Not counted in ClinVar's aggregate classification.
Comment: the same text as in the submission from Department of Pathology and Laboratory Medicine, Sinai Health System above.